The following is an entry in ClinVar:

NM_001349338.3(FOXP1):c.1640_1652+22dup

Gene: FOXP1 (forkhead box P1; minus strand). Cytogenetic location: 3p13.
Variant type: Duplication.
Coding change: c.1640_1652+22dup on transcript NM_001349338.3 (MANE Select); coding-DNA position 1640 through 22 bases into the intron after coding-DNA position 1652, 35 bases duplicated.
Molecular consequence: splice donor variant. On other transcripts: intron variant (1).
Genome position (GRCh38, 1-based): chr3:70,972,533-70,972,567, 35 bases duplicated. GRCh37 (hg19): chr3:71,021,684-71,021,718.
Other names: c.1531-387_1531-353dup (NM_001244810.2); c.1640_1652+22dup (NM_032682.6, NM_001349340.3, NM_001244816.2 and 1 more transcripts); c.1637_1649+22dup (NM_001349341.3, NM_001244808.3); c.1412_1424+22dup (NM_001244812.3); c.1337_1349+22dup (NM_001349343.3, NM_001349337.2, NM_001370548.1 and 1 more transcripts); c.1340_1352+22dup (NM_001349342.3, NM_001244815.2, NM_001244813.3).
Identifiers: ClinVar variation 3360952 (VCV003360952.1).

ClinVar aggregate classification (germline): Uncertain significance (1 of 4 stars; one submission).

Submission:

GeneDx
Classification: Uncertain significance. Last evaluated: 2023-07-20. Review status: criteria provided, single submitter. Criteria: GeneDx Variant Classification Process June 2021. Collection method: clinical testing. Allele origin: germline. Affected: yes.
Comment: Not observed at significant frequency in large population cohorts (gnomAD); Has not been previously published as pathogenic or benign to our knowledge; In silico analysis is inconclusive as to whether the variant alters gene splicing. In the absence of RNA/functional studies, the actual effect of this sequence change is unknown.